The following is an entry in ClinVar:

ClinVar aggregate classification (germline): Likely pathogenic. Review status: criteria provided, multiple submitters, no conflicts (2 of 4 stars). 2 submissions from 2 submitters: Likely pathogenic (2). Last evaluated 2025-03-04.

Conditions:
Cardiovascular phenotype. Identifiers: MedGen CN230736.

Allele frequency attached by ClinVar (database versions not stated): TOPMed below 0.00001; gnomAD exomes 0.00001 and 0.00004; ExAC 0.00007.
gnomAD v4.1: 21 of 1,614,134 alleles (0.0013%); highest among the groups gnomAD compares: South Asian, 0.0044%; no homozygotes.

Submissions (2):

Labcorp Genetics (formerly Invitae), Labcorp
Classification: Likely pathogenic. Last evaluated: 2025-03-04. Review status: criteria provided, single submitter. Criteria: Invitae Variant Classification Sherloc (09022015). Collection method: clinical testing. Allele origin: germline.
Comment: This sequence change replaces arginine, which is basic and polar, with cysteine, which is neutral and slightly polar, at codon 197 of the LPL protein (p.Arg197Cys). This variant is present in population databases (rs768128481, gnomAD 0.01%). This missense change has been observed in individual(s) with clinical features of LPL-related conditions (PMID: 36325899). ClinVar contains an entry for this variant (Variation ID: 1471786). Invitae Evidence Modeling of protein sequence and biophysical properties (such as structural, functional, and spatial information, amino acid conservation, physicochemical variation, residue mobility, and thermodynamic stability) indicates that this missense variant is expected to disrupt LPL protein function with a positive predictive value of 80%. This variant disrupts the p.Arg197 amino acid residue in LPL. Other variant(s) that disrupt this residue have been determined to be pathogenic (PMID: 12839295, 25966443). This suggests that this residue is clinically significant, and that variants that disrupt this residue are likely to be disease-causing. In summary, the currently available evidence indicates that the variant is pathogenic, but additional data are needed to prove that conclusively. Therefore, this variant has been classified as Likely Pathogenic.

Ambry Genetics
Classification: Likely pathogenic for Cardiovascular phenotype. Last evaluated: 2019-11-22. Review status: criteria provided, single submitter. Criteria: Ambry Variant Classification Scheme 2023. Collection method: clinical testing. Allele origin: germline.
Comment: The p.R197C variant (also known as c.589C>T), located in coding exon 5 of the LPL gene, results from a C to T substitution at nucleotide position 589. The arginine at codon 197 is replaced by cysteine, an amino acid with highly dissimilar properties. This variant was reported in a coronary artery disease cohort control group; however, clinical details were limited (Khera AV et al. JAMA, 2017 03;317:937-946). Alternate amino acid substitutions at this position, p.R197H and p.R197L, have been reported in individuals with severe hypertriglyceridemia, including homozygous and compound heterozygous cases (Ambry internal data; Rabacchi C et al. Atherosclerosis, 2015 Jul;241:79-86). This amino acid position is well conserved in available vertebrate species. In addition, this alteration is predicted to be deleterious by in silico analysis. Based on the majority of available evidence to date, this variant is likely to be pathogenic.

Literature cited by the submitters: PubMed 36325899 (cited by Labcorp Genetics (formerly Invitae), Labcorp); PubMed 12839295 (cited by Labcorp Genetics (formerly Invitae), Labcorp); PubMed 25966443 (cited by Labcorp Genetics (formerly Invitae), Labcorp); PubMed 28267856 (cited by Ambry Genetics).

NM_000237.3(LPL):c.589C>T (p.Arg197Cys)

Gene: LPL (lipoprotein lipase; plus strand). Cytogenetic location: 8p21.3.
Variant type: single nucleotide variant.
Coding change: c.589C>T on transcript NM_000237.3 (MANE Select); coding-DNA position 589, C replaced by T.
Protein change: p.Arg197Cys; replaces arginine 197 with cysteine.
Molecular consequence: missense variant.
Genome position (GRCh38, 1-based): chr8:19,954,167, C>T. VCF-style: chr8-19954167-C-T. GRCh37 (hg19) VCF-style: chr8-19811678-C-T.
Other names: short protein forms R197C.
Identifiers: ClinVar variation 1471786 (VCV001471786.8), dbSNP rs768128481, ClinGen allele CA4655475.